The following is an entry in ClinVar:

NM_032119.4(ADGRV1):c.16694C>T (p.Thr5565Ile)

Gene: ADGRV1 (adhesion G protein-coupled receptor V1; plus strand). Cytogenetic location: 5q14.3.
Variant type: single nucleotide variant.
Coding change: c.16694C>T on transcript NM_032119.4 (MANE Select); coding-DNA position 16694, C replaced by T.
Protein change: p.Thr5565Ile; replaces threonine 5565 with isoleucine.
Molecular consequence: missense variant. On other transcripts: non-coding transcript variant (1).
Genome position (GRCh38, 1-based): chr5:90,840,660, C>T. VCF-style: chr5-90840660-C-T. GRCh37 (hg19) VCF-style: chr5-90136477-C-T.
Other names: short protein forms T5565I.
Identifiers: ClinVar variation 3369860 (VCV003369860.3).

ClinVar aggregate classification (germline): Conflicting classifications of pathogenicity. Review status: criteria provided, conflicting classifications (1 of 4 stars). 2 submissions from 2 submitters: Uncertain significance (1); Likely benign (1). Last evaluated 2024-09-23.

gnomAD v4.1: 7 of 1,613,972 alleles (0.00043%); highest among the groups gnomAD compares: South Asian, 0.0044%; no homozygotes.

Submissions (2):

Labcorp Genetics (formerly Invitae), Labcorp
Classification: Likely benign. Last evaluated: 2024-09-23. Review status: criteria provided, single submitter. Criteria: Invitae Variant Classification Sherloc (09022015). Collection method: clinical testing. Allele origin: germline.

GeneDx
Classification: Uncertain significance. Last evaluated: 2024-03-05. Review status: criteria provided, single submitter. Criteria: GeneDx Variant Classification Process June 2021. Collection method: clinical testing. Allele origin: germline. Affected: yes.
Comment: Not observed at significant frequency in large population cohorts (gnomAD); In silico analysis supports that this missense variant does not alter protein structure/function; Has not been previously published as pathogenic or benign to our knowledge